The following is an entry in ClinVar:

NM_007357.3(COG2):c.264T>G (p.Leu88=)

Gene: COG2 (component of oligomeric golgi complex 2; plus strand). Cytogenetic location: 1q42.2.
Variant type: single nucleotide variant.
Coding change: c.264T>G on transcript NM_007357.3 (MANE Select); coding-DNA position 264, T replaced by G.
Protein change: p.Leu88=; no amino-acid change (leucine 88 retained).
Molecular consequence: synonymous variant.
Genome position (GRCh38, 1-based): chr1:230,660,787, T>G. VCF-style: chr1-230660787-T-G. GRCh37 (hg19) VCF-style: chr1-230796533-T-G.
Other names: c.264T>G, p.Leu88= (NM_001145036.2).
Identifiers: ClinVar variation 672165 (VCV000672165.11), dbSNP rs16852160, ClinGen allele CA1447336.
Genomic context (GRCh38, chr1:230,660,787, plus strand): 5'-GTGTGTGTGCCAACATGATTTCTGCCTTTAGGTTGGCATGGACAAAGCCCTCAACCAGCT[T>G]TCTGTGCCTTTGGGACAATTACGAGAAGAGGTTCTGGTAAGTTTCCCGAATAACATCAAA-3'
Protein context (NP_031383.1, residues 78-98): LVGMDKALNQ[Leu88=]SVPLGQLREE

ClinVar aggregate classification (germline): Benign. Review status: criteria provided, multiple submitters, no conflicts (2 of 4 stars). 4 submissions from 4 submitters: Benign (3). 1 of the submissions does not count toward it. Last evaluated 2026-01-25.

Conditions:
COG2-related disorder. Also called: COG2-related condition.
Congenital disorder of glycosylation, type IIq. Also called: CDG IIq. Identifiers: Orphanet 435934, MedGen C4479353, MONDO:0054559, OMIM 617395.

Allele frequency attached by ClinVar (database versions not stated): gnomAD exomes 0.00406 and 0.00766; ExAC 0.01077; gnomAD 0.03059 and 0.03286; 1000 Genomes Project 0.03215; 1000 Genomes Project 30x 0.03310; TOPMed 0.03341; ESP Exome Variant Server 0.03452.
gnomAD v4.1: 10,690 of 1,586,946 alleles (0.67%); highest among the groups gnomAD compares: African/African-American, 11%; 471 homozygotes.

Submissions (4):

Labcorp Genetics (formerly Invitae), Labcorp
Classification: Benign for Congenital disorder of glycosylation, type IIq. Last evaluated: 2026-01-25. Review status: criteria provided, single submitter. Criteria: Invitae Variant Classification Sherloc (09022015). Collection method: clinical testing. Allele origin: germline.

GeneDx
Classification: Benign. Last evaluated: 2018-06-14. Review status: criteria provided, single submitter. Criteria: GeneDx Variant Classification (06012015). Collection method: clinical testing. Allele origin: germline. Affected: yes.
Comment: This variant is considered likely benign or benign based on one or more of the following criteria: it is a conservative change, it occurs at a poorly conserved position in the protein, it is predicted to be benign by multiple in silico algorithms, and/or has population frequency not consistent with disease.

Breakthrough Genomics
Classification: Benign. Review status: criteria provided, single submitter. Criteria: ACMG Guidelines, 2015. Collection method: not provided. Allele origin: germline. Inheritance: Autosomal recessive inheritance. Affected: yes.

PreventionGenetics, part of Exact Sciences
Classification: Benign for COG2-related condition. Last evaluated: 2019-07-16. Review status: no assertion criteria provided. Collection method: clinical testing. Allele origin: germline. Not counted in ClinVar's aggregate classification.
Comment: This variant is classified as benign based on ACMG/AMP sequence variant interpretation guidelines (Richards et al. 2015 PMID: 25741868, with internal and published modifications).